The following is an entry in ClinVar:

ClinVar aggregate classification (germline): Conflicting classifications of pathogenicity. Review status: criteria provided, conflicting classifications (1 of 4 stars). 6 submissions from 6 submitters: Likely pathogenic (1); Uncertain significance (3). 2 of the submissions do not count toward it. Last evaluated 2025-09-02.

Conditions:
Combined oxidative phosphorylation defect type 24. Also called: Combined oxidative phosphorylation deficiency 24. Identifiers: Orphanet 444458, MedGen C4015643, MONDO:0014547, OMIM 616239.

Allele frequency attached by ClinVar (database versions not stated): gnomAD 0.00002; TOPMed 0.00003; ExAC 0.00006; gnomAD exomes 0.00006; ESP Exome Variant Server 0.00008.
gnomAD v4.1: 108 of 1,609,558 alleles (0.0067%); highest among the groups gnomAD compares: Admixed American, 0.0084%; no homozygotes.

Submissions (6):

Labcorp Genetics (formerly Invitae), Labcorp
Classification: Likely pathogenic. Last evaluated: 2025-09-02. Review status: criteria provided, single submitter. Criteria: Invitae Variant Classification Sherloc (09022015). Collection method: clinical testing. Allele origin: germline.
Comment: This sequence change replaces arginine, which is basic and polar, with cysteine, which is neutral and slightly polar, at codon 51 of the NARS2 protein (p.Arg51Cys). This variant is present in population databases (rs367584549, gnomAD 0.01%). This missense change has been observed in individual(s) with clinical features of combined oxidative phosphorylation deficiency (PMID: 28077841, 37838930). In at least one individual the data is consistent with being in trans (on the opposite chromosome) from a pathogenic variant. ClinVar contains an entry for this variant (Variation ID: 545046). Invitae Evidence Modeling of protein sequence and biophysical properties (such as structural, functional, and spatial information, amino acid conservation, physicochemical variation, residue mobility, and thermodynamic stability) indicates that this missense variant is expected to disrupt NARS2 protein function with a positive predictive value of 80%. In summary, the currently available evidence indicates that the variant is pathogenic, but additional data are needed to prove that conclusively. Therefore, this variant has been classified as Likely Pathogenic.

Revvity Omics, Revvity
Classification: Uncertain significance. Last evaluated: 2023-07-24. Review status: criteria provided, single submitter. Criteria: ACMG Guidelines, 2015. Collection method: clinical testing. Allele origin: germline.

GeneDx
Classification: Uncertain significance. Last evaluated: 2020-06-25. Review status: criteria provided, single submitter. Criteria: GeneDx Variant Classification Process June 2021. Collection method: clinical testing. Allele origin: germline. Affected: yes.
Comment: Not observed at a significant frequency in large population cohorts (Lek et al., 2016); In silico analysis supports that this missense variant has a deleterious effect on protein structure/function; This variant is associated with the following publications: (PMID: 28077841, 31589614)

Athena Diagnostics
Classification: Uncertain significance. Last evaluated: 2019-02-19. Review status: criteria provided, single submitter. Criteria: Athena Diagnostics Criteria. Collection method: clinical testing. Allele origin: germline.

OMIM
Classification: Pathogenic for COMBINED OXIDATIVE PHOSPHORYLATION DEFICIENCY 24. Last evaluated: 2019-05-24. Review status: no assertion criteria provided. Collection method: literature only. Allele origin: germline. Not counted in ClinVar's aggregate classification.

Laboratory of Molecular Genetics (Pr. Bezieau's lab), CHU de Nantes
Classification: Likely pathogenic. Last evaluated: 2016-10-28. Review status: no assertion criteria provided. Collection method: clinical testing. Allele origin: germline. Affected: yes. Not counted in ClinVar's aggregate classification.

Literature cited by the submitters: PubMed 28077841 (cited by 3 submitters); PubMed 37838930 (cited by Labcorp Genetics (formerly Invitae), Labcorp).

NM_024678.6(NARS2):c.151C>T (p.Arg51Cys)

Gene: NARS2 (asparaginyl-tRNA synthetase 2, mitochondrial; minus strand). Cytogenetic location: 11q14.1.
Variant type: single nucleotide variant.
Coding change: c.151C>T on transcript NM_024678.6 (MANE Select); coding-DNA position 151, C replaced by T.
Protein change: p.Arg51Cys; replaces arginine 51 with cysteine.
Molecular consequence: missense variant. On other transcripts: 5 prime UTR variant (1).
Genome position (GRCh38, 1-based): chr11:78,571,435, G>A on the plus strand (C>T on the coding strand, the complement: NARS2 is on the minus strand). VCF-style: chr11-78571435-G-A. GRCh37 (hg19) VCF-style: chr11-78282480-G-A.
Other names: NARS2, ARG51CYS (rs367584549); c.-531C>T (NM_001243251.2); short protein forms R51C.
Identifiers: ClinVar variation 545046 (VCV000545046.11), dbSNP rs367584549, ClinGen allele CA6205933.